The following is an entry in ClinVar:

NM_000465.4(BARD1):c.1147A>G (p.Met383Val)

Gene: BARD1 (BRCA1 associated RING domain 1; minus strand). Cytogenetic location: 2q35.
Variant type: single nucleotide variant.
Coding change: c.1147A>G on transcript NM_000465.4 (MANE Select); coding-DNA position 1147, A replaced by G.
Protein change: p.Met383Val; replaces methionine 383 with valine.
Molecular consequence: missense variant. On other transcripts: non-coding transcript variant (2), intron variant (3).
Genome position (GRCh38, 1-based): chr2:214,780,727, T>C on the plus strand (A>G on the coding strand, the complement: BARD1 is on the minus strand). VCF-style: chr2-214780727-T-C. GRCh37 (hg19) VCF-style: chr2-215645451-T-C.
Other names: c.1090A>G, p.Met364Val (NM_001282543.2); c.159-28172A>G (NM_001282548.2); c.215+16334A>G (NM_001282545.2); c.364+11570A>G (NM_001282549.2); short protein forms M383V, M364V.
Identifiers: ClinVar variation 822254 (VCV000822254.14), dbSNP rs761516178, ClinGen allele CA2090336.

ClinVar aggregate classification (germline): Conflicting classifications of pathogenicity. Review status: criteria provided, conflicting classifications (1 of 4 stars). 3 submissions from 3 submitters: Uncertain significance (2); Likely benign (1). Last evaluated 2024-06-30.

Conditions:
Hereditary cancer-predisposing syndrome. Also called: Tumor predisposition; Hereditary Cancer Syndrome; Neoplastic Syndromes, Hereditary; Hereditary neoplastic syndrome. Identifiers: Orphanet 140162, MedGen C0027672, MeSH D009386, MONDO:0015356.
Familial cancer of breast. Also called: BREAST CANCER, FAMILIAL; Hereditary breast cancer; hereditary breast carcinoma. Identifiers: Orphanet 227535, MedGen C0346153, MONDO:0016419, OMIM 114480. Disease mechanism: loss of function.

gnomAD v4.1: 2 of 1,614,072 alleles (0.00012%); highest among the groups gnomAD compares: South Asian, 0.0011%; no homozygotes.

Submissions (3):

Labcorp Genetics (formerly Invitae), Labcorp
Classification: Uncertain significance for Familial cancer of breast. Last evaluated: 2024-06-30. Review status: criteria provided, single submitter. Criteria: Invitae Variant Classification Sherloc (09022015). Collection method: clinical testing. Allele origin: germline.
Comment: This sequence change replaces methionine, which is neutral and non-polar, with valine, which is neutral and non-polar, at codon 383 of the BARD1 protein (p.Met383Val). This variant is present in population databases (rs761516178, gnomAD 0.0009%). This variant has not been reported in the literature in individuals affected with BARD1-related conditions. ClinVar contains an entry for this variant (Variation ID: 822254). Algorithms developed to predict the effect of missense changes on protein structure and function output the following: SIFT: "Not Available"; PolyPhen-2: "Benign"; Align-GVGD: "Not Available". The valine amino acid residue is found in multiple mammalian species, which suggests that this missense change does not adversely affect protein function. In summary, the available evidence is currently insufficient to determine the role of this variant in disease. Therefore, it has been classified as a Variant of Uncertain Significance.

Color Diagnostics, LLC DBA Color Health
Classification: Uncertain significance for Hereditary cancer-predisposing syndrome. Last evaluated: 2023-06-13. Review status: criteria provided, single submitter. Criteria: ACMG Guidelines, 2015. Collection method: clinical testing. Allele origin: germline.
Comment: This missense variant replaces methionine with valine at codon 383 of the BARD1 protein. Computational prediction suggests that this variant may not impact protein structure and function (internally defined REVEL score threshold <= 0.5, PMID: 27666373). To our knowledge, functional studies have not been reported for this variant. This variant has not been reported in individuals affected with BARD1-related disorders in the literature. This variant has been identified in 1/251276 chromosomes in the general population by the Genome Aggregation Database (gnomAD). The available evidence is insufficient to determine the role of this variant in disease conclusively. Therefore, this variant is classified as a Variant of Uncertain Significance.

Ambry Genetics
Classification: Likely benign for Hereditary cancer-predisposing syndrome. Last evaluated: 2019-10-30. Review status: criteria provided, single submitter. Criteria: Ambry Variant Classification Scheme 2023. Collection method: clinical testing. Allele origin: germline.